The following is an entry in ClinVar:

ClinVar aggregate classification (germline): Uncertain significance. Review status: criteria provided, multiple submitters, no conflicts (2 of 4 stars). 2 submissions from 2 submitters: Uncertain significance (2). Last evaluated 2025-11-12.

Conditions:
Hereditary cancer-predisposing syndrome. Also called: Neoplastic Syndromes, Hereditary; Hereditary Cancer Syndrome; Hereditary neoplastic syndrome; Tumor predisposition. Identifiers: Orphanet 140162, MedGen C0027672, MeSH D009386, MONDO:0015356.
Neuroblastoma, susceptibility to, 3. Also called: ALK-Related Neuroblastic Tumor Susceptibility. Identifiers: Orphanet 635, MedGen C2751681, MONDO:0013083, OMIM 613014.

Allele frequency attached by ClinVar (database versions not stated): gnomAD exomes below 0.00001.
gnomAD v4.1: 3 of 1,613,790 alleles (0.00019%); highest among the groups gnomAD compares: Non-Finnish European, 0.00025%; no homozygotes.

Submissions (2):

Ambry Genetics
Classification: Uncertain significance for Hereditary cancer-predisposing syndrome. Last evaluated: 2025-11-12. Review status: criteria provided, single submitter. Criteria: Ambry Variant Classification Scheme 2023. Collection method: clinical testing. Allele origin: germline.
Comment: The p.K1309E variant (also known as c.3925A>G), located in coding exon 26 of the ALK gene, results from an A to G substitution at nucleotide position 3925. The lysine at codon 1309 is replaced by glutamic acid, an amino acid with similar properties. This amino acid position is conserved. In addition, this alteration is predicted to be deleterious by in silico analysis. Since supporting evidence is limited at this time, the clinical significance of this alteration remains unclear.

Labcorp Genetics (formerly Invitae), Labcorp
Classification: Uncertain significance for Neuroblastoma, susceptibility to, 3. Last evaluated: 2024-06-28. Review status: criteria provided, single submitter. Criteria: Invitae Variant Classification Sherloc (09022015). Collection method: clinical testing. Allele origin: germline.
Comment: This sequence change replaces lysine, which is basic and polar, with glutamic acid, which is acidic and polar, at codon 1309 of the ALK protein (p.Lys1309Glu). This variant is not present in population databases (gnomAD no frequency). This variant has not been reported in the literature in individuals affected with ALK-related conditions. ClinVar contains an entry for this variant (Variation ID: 2195172). An algorithm developed to predict the effect of missense changes on protein structure and function (PolyPhen-2) suggests that this variant is likely to be disruptive. In summary, the available evidence is currently insufficient to determine the role of this variant in disease. Therefore, it has been classified as a Variant of Uncertain Significance.

NM_004304.5(ALK):c.3925A>G (p.Lys1309Glu)

Gene: ALK (ALK receptor tyrosine kinase; minus strand). Cytogenetic location: 2p23.2.
Variant type: single nucleotide variant.
Coding change: c.3925A>G on transcript NM_004304.5 (MANE Select); coding-DNA position 3925, A replaced by G.
Protein change: p.Lys1309Glu; replaces lysine 1309 with glutamic acid.
Molecular consequence: missense variant.
Genome position (GRCh38, 1-based): chr2:29,207,184, T>C on the plus strand (A>G on the coding strand, the complement: ALK is on the minus strand). VCF-style: chr2-29207184-T-C. GRCh37 (hg19) VCF-style: chr2-29430050-T-C.
Other names: c.721A>G, p.Lys241Glu (NM_001353765.2); c.3925A>G (NM_004304.4); short protein forms K241E, K1309E.
Identifiers: ClinVar variation 2195172 (VCV002195172.7), dbSNP rs2148151965, ClinGen allele CA346468506.